The following is an entry in ClinVar:

NM_000937.5(POLR2A):c.2167_2169del (p.Asn723del)

Gene: POLR2A (RNA polymerase II subunit A; plus strand). Cytogenetic location: 17p13.1.
Variant type: Deletion.
Coding change: c.2167_2169del on transcript NM_000937.5 (MANE Select); coding-DNA positions 2167 to 2169, 3 bases deleted (AAT; older notation c.2167_2169delAAT).
Protein change: p.Asn723del; deletes asparagine 723.
Molecular consequence: inframe deletion.
Genome position (GRCh38, 1-based): chr17:7,501,547-7,501,549, AAT deleted. VCF-style (leftmost placement, unchanged base first): chr17-7501546-CAAT-C. GRCh37 (hg19) VCF-style: chr17-7404865-CAAT-C.
Other names: c.2167_2169delAAT (NM_000937.4); short protein forms N723del.
Identifiers: ClinVar variation 2662585 (VCV002662585.3), dbSNP rs2508136381, ClinGen allele CA2635854619.
Genomic context (GRCh38, chr17:7,501,546, plus strand): 5'-AGAGTAGGGATTGATGTCTCACCGAGAACTCTGCCTCCAGGTCATCGAGAAGGCACACAA[CAAT>C]GAGCTGGAGCCCACCCCAGGGAACACTCTGCGGCAGACGTTTGAGAATCAGGTGAACCGC-3'

ClinVar aggregate classification (germline): Conflicting classifications of pathogenicity. Review status: criteria provided, conflicting classifications (1 of 4 stars). 2 submissions from 2 submitters: Pathogenic (1); Uncertain significance (1). Last evaluated 2026-08-28.

Conditions:
Inborn genetic diseases. Identifiers: MedGen C0950123, MeSH D030342.

Allele frequency attached by ClinVar (database versions not stated): gnomAD exomes below 0.00001.

Submissions (2):

GeneDx
Classification: Pathogenic. Last evaluated: 2026-08-28. Review status: criteria provided, single submitter. Criteria: GeneDx Variant Classification Process June 2021. Collection method: clinical testing. Allele origin: germline.
Comment: Not observed at significant frequency in large population cohorts (gnomAD); In-frame deletion of 1 amino acid(s) in a non-repeat region; In silico analysis supports a deleterious effect on protein structure/function; Has not been previously published as pathogenic or benign to our knowledge

Ambry Genetics
Classification: Uncertain significance for Inborn genetic diseases. Last evaluated: 2025-07-08. Review status: criteria provided, single submitter. Criteria: Ambry Variant Classification Scheme 2023. Collection method: clinical testing. Allele origin: germline.
Comment: The c.2167_2169delAAT (p.N723del) alteration, located in coding exon 14 of the POLR2A gene, results from an in-frame deletion of 3 nucleotides from positions c.2167 to c.2169. This results in the deletion of 1 amino acid residue at codon 723. This variant was not reported in population-based cohorts in the Genome Aggregation Database (gnomAD). This amino acid position is highly conserved in available vertebrate species. This alteration is predicted to be deleterious by in silico analysis (Choi, 2012). Based on insufficient or conflicting evidence, the clinical significance of this alteration remains unclear.